The following is an entry in ClinVar:

ClinVar aggregate classification (germline): Uncertain significance. Review status: criteria provided, single submitter (1 of 4 stars). 2 submissions from 2 submitters: Uncertain significance (1). 1 of the submissions does not count toward it. Last evaluated 2020-10-03.

Conditions:
Enhanced S-cone syndrome (ESCS). Identifiers: Orphanet 53540, MedGen C1849394, MONDO:0100288, MONDO:0009989.

Submissions (2):

Labcorp Genetics (formerly Invitae), Labcorp
Classification: Uncertain significance. Last evaluated: 2020-10-03. Review status: criteria provided, single submitter. Criteria: Invitae Variant Classification Sherloc (09022015). Collection method: clinical testing. Allele origin: germline.
Comment: This sequence change replaces asparagine with lysine at codon 120 of the NR2E3 protein (p.Asn120Lys). The asparagine residue is highly conserved and there is a moderate physicochemical difference between asparagine and lysine. This variant is not present in population databases (ExAC no frequency). This variant has not been reported in the literature in individuals with NR2E3-related conditions. Algorithms developed to predict the effect of missense changes on protein structure and function are either unavailable or do not agree on the potential impact of this missense change (SIFT: Deleterious; PolyPhen-2: Not Availabe; Align-GVGD: Class C). In summary, the available evidence is currently insufficient to determine the role of this variant in disease. Therefore, it has been classified as a Variant of Uncertain Significance. 5

Natera, Inc.
Classification: Uncertain significance for Enhanced S cone syndrome. Last evaluated: 2020-04-13. Review status: no assertion criteria provided. Collection method: clinical testing. Allele origin: germline. Not counted in ClinVar's aggregate classification.

NM_014249.4(NR2E3):c.360C>A (p.Asn120Lys)

Gene: NR2E3 (nuclear receptor subfamily 2 group E member 3; plus strand). Cytogenetic location: 15q23.
Variant type: single nucleotide variant.
Coding change: c.360C>A on transcript NM_014249.4 (MANE Select); coding-DNA position 360, C replaced by A.
Protein change: p.Asn120Lys; replaces asparagine 120 with lysine.
Molecular consequence: missense variant.
Genome position (GRCh38, 1-based): chr15:71,811,965, C>A. VCF-style: chr15-71811965-C-A. GRCh37 (hg19) VCF-style: chr15-72104305-C-A.
Other names: c.360C>A, p.Asn120Lys (NM_016346.4); short protein forms N120K.
Identifiers: ClinVar variation 938336 (VCV000938336.3), dbSNP rs759418091, ClinGen allele CA393033809.
Genomic context (GRCh38, chr15:71,811,965, plus strand): 5'-AAATGGGCAGCGGGACTGGCGTGTCGTCCTGACCCTTCCTGCCTCCCCAGCCGTGCAGAA[C>A]GAGCGCCAGCCGCGAAGCACAGCCCAGGTCCACCTGGACAGCATGGAGTCCAACACTGAG-3'
Protein context (NP_055064.1, residues 110-130): QAGMNQDAVQ[Asn120Lys]ERQPRSTAQV